The following is an entry in ClinVar:

NM_147127.5(EVC2):c.*207A>G

Gene: EVC2 (EvC ciliary complex subunit 2; minus strand). Cytogenetic location: 4p16.2.
Variant type: single nucleotide variant.
Coding change: c.*207A>G on transcript NM_147127.5 (MANE Select); 207 bases downstream of the stop codon, A replaced by G.
Molecular consequence: 3 prime UTR variant.
Genome position (GRCh38, 1-based): chr4:5,562,641, T>C on the plus strand (A>G on the coding strand, the complement: EVC2 is on the minus strand). VCF-style: chr4-5562641-T-C. GRCh37 (hg19) VCF-style: chr4-5564368-T-C.
Other names: c.*207A>G (NM_001166136.2).
Identifiers: ClinVar variation 899532 (VCV000899532.5), dbSNP rs73072282, ClinGen allele CA91686263.

ClinVar aggregate classification (germline): Likely benign. Review status: criteria provided, multiple submitters, no conflicts (2 of 4 stars). 2 submissions from 2 submitters: Likely benign (2). Last evaluated 2018-01-12.

Conditions:
Ellis-van Creveld syndrome (EVC). Also called: EVC-Related Ellis-van Creveld Syndrome; EVC2-Related Ellis-van Creveld Syndrome; MESOECTODERMAL DYSPLASIA; Chondroectodermal dysplasia. Identifiers: Orphanet 289, MedGen C0013903, MONDO:0009162, OMIM 225500.

Allele frequency attached by ClinVar (database versions not stated): gnomAD exomes 0.00037; gnomAD 0.00252 and 0.00270; 1000 Genomes Project 0.00260; 1000 Genomes Project 30x 0.00281; TOPMed 0.00287.
gnomAD v4.1: 892 of 1,435,260 alleles (0.062%); highest among the groups gnomAD compares: African/African-American, 0.85%; 3 homozygotes.

Submissions (2):

Illumina Laboratory Services, Illumina
Classification: Likely benign for Ellis-van Creveld syndrome. Last evaluated: 2018-01-12. Review status: criteria provided, single submitter. Criteria: ICSL Variant Classification Criteria 13 December 2019. Collection method: clinical testing. Allele origin: germline.
Comment: This variant was observed in the ICSL laboratory as part of a predisposition screen in an ostensibly healthy population. It had not been previously curated by ICSL or reported in the Human Gene Mutation Database (HGMD: prior to June 1st, 2018), and was therefore a candidate for classification through an automated scoring system. Utilizing variant allele frequency, disease prevalence and penetrance estimates, and inheritance mode, an automated score was calculated to assess if this variant is too frequent to cause the disease. Based on the score and internal cut-off values, a variant classified as likely benign is not then subjected to further curation. The score for this variant resulted in a classification of likely benign for this disease.

Breakthrough Genomics
Classification: Likely benign. Review status: criteria provided, single submitter. Criteria: ACMG Guidelines, 2015. Collection method: not provided. Allele origin: germline. Inheritance: Autosomal recessive inheritance. Affected: yes.